The following is an entry in ClinVar:

ClinVar aggregate classification (germline): Uncertain significance. Review status: criteria provided, multiple submitters, no conflicts (2 of 4 stars). 2 submissions from 2 submitters: Uncertain significance (2). Last evaluated 2025-07-31.

Conditions:
CRB1-related disorder. Also called: CRB1-related condition; CRB1-related disorders.

gnomAD v4.1: 3 of 1,614,120 alleles (0.00019%); highest among the groups gnomAD compares: Non-Finnish European, 0.00017%; no homozygotes.

Submissions (2):

PreventionGenetics, part of Exact Sciences
Classification: Uncertain significance for CRB1-related condition. Last evaluated: 2025-07-31. Review status: criteria provided, single submitter. Criteria: ACMG Guidelines, 2015. Collection method: clinical testing. Allele origin: germline.
Comment: The CRB1 c.1529T>C variant is predicted to result in the amino acid substitution p.Ile510Thr. To our knowledge, this variant has not been reported in the literature. This variant is absent in a large population database (gnomAD), indicating this variant is rare. At this time, the clinical significance of this variant is uncertain due to the absence of conclusive functional and genetic evidence.

Blueprint Genetics
Classification: Uncertain significance. Last evaluated: 2023-01-23. Review status: criteria provided, single submitter. Criteria: ACMG Guidelines, 2015. Collection method: clinical testing. Allele origin: germline.

NM_201253.3(CRB1):c.1529T>C (p.Ile510Thr)

Gene: CRB1 (crumbs cell polarity complex component 1; plus strand). Cytogenetic location: 1q31.3.
Variant type: single nucleotide variant.
Coding change: c.1529T>C on transcript NM_201253.3 (MANE Select); coding-DNA position 1529, T replaced by C.
Protein change: p.Ile510Thr; replaces isoleucine 510 with threonine.
Molecular consequence: missense variant. On other transcripts: non-coding transcript variant (2).
Genome position (GRCh38, 1-based): chr1:197,421,357, T>C. VCF-style: chr1-197421357-T-C. GRCh37 (hg19) VCF-style: chr1-197390487-T-C.
Other names: c.1193T>C, p.Ile398Thr (NM_001193640.2); c.1322T>C, p.Ile441Thr (NM_001257965.2); c.1529T>C, p.Ile510Thr (NM_001257966.2); c.1529T>C (NM_201253.2); short protein forms I398T, I510T, I441T.
Identifiers: ClinVar variation 4926481 (VCV004926481.2).